The following is an entry in ClinVar:

NM_016932.5(SIX2):c.707C>T (p.Pro236Leu)

Gene: SIX2 (SIX homeobox 2; minus strand). Cytogenetic location: 2p21.
Variant type: single nucleotide variant.
Coding change: c.707C>T on transcript NM_016932.5 (MANE Select); coding-DNA position 707, C replaced by T.
Protein change: p.Pro236Leu; replaces proline 236 with leucine.
Molecular consequence: missense variant.
Genome position (GRCh38, 1-based): chr2:45,006,339, G>A on the plus strand (C>T on the coding strand, the complement: SIX2 is on the minus strand). VCF-style: chr2-45006339-G-A. GRCh37 (hg19) VCF-style: chr2-45233478-G-A.
Other names: short protein forms P236L.
Identifiers: ClinVar variation 224349 (VCV000224349.9), dbSNP rs372153489, ClinGen allele CA1642490.

ClinVar aggregate classification (germline): Conflicting classifications of pathogenicity. Review status: criteria provided, conflicting classifications (1 of 4 stars). 3 submissions from 3 submitters: Uncertain significance (2); Likely benign (1). Last evaluated 2025-12-06.

Conditions:
SIX2-related disorder. Also called: SIX2-related condition.
Congenital anomaly of kidney and urinary tract. Also called: Congenital anomalies of kidney and urinary tract; Congenital anomalies of the kidney and urinary tract. Identifiers: Orphanet 93545, MedGen C1968949, MeSH C566906, MONDO:0019719.

Allele frequency attached by ClinVar (database versions not stated): ESP Exome Variant Server 0.00015; ExAC 0.00019; gnomAD 0.00022; gnomAD exomes 0.00024 and 0.00032; TOPMed 0.00024.

Submissions (3):

PreventionGenetics, part of Exact Sciences
Classification: Likely benign for SIX2-related condition. Last evaluated: 2025-12-06. Review status: criteria provided, single submitter. Criteria: ACMG Guidelines, 2015. Collection method: clinical testing. Allele origin: germline.
Comment: This variant is classified as likely benign based on ACMG/AMP sequence variant interpretation guidelines (Richards et al. 2015 PMID: 25741868, with internal and published modifications).

Labcorp Genetics (formerly Invitae), Labcorp
Classification: Uncertain significance. Last evaluated: 2025-08-18. Review status: criteria provided, single submitter. Criteria: Invitae Variant Classification Sherloc (09022015). Collection method: clinical testing. Allele origin: germline.
Comment: This sequence change replaces proline, which is neutral and non-polar, with leucine, which is neutral and non-polar, at codon 236 of the SIX2 protein (p.Pro236Leu). This variant is present in population databases (rs372153489, gnomAD 0.04%). This missense change has been observed in individual(s) with congenital anomalies of the kidney and urinary tract (PMID: 27657687, 32164334). ClinVar contains an entry for this variant (Variation ID: 224349). An algorithm developed to predict the effect of missense changes on protein structure and function (PolyPhen-2) suggests that this variant is likely to be tolerated. In summary, the available evidence is currently insufficient to determine the role of this variant in disease. Therefore, it has been classified as a Variant of Uncertain Significance.

Lupski Lab, Baylor-Hopkins CMG, Baylor College of Medicine
Classification: Uncertain significance for Congenital anomaly of kidney and urinary tract. Review status: criteria provided, single submitter. Criteria: Bekheirnia et al. (Genet Med. 2016). Collection method: research. Allele origin: unknown. Inheritance: Autosomal dominant inheritance. Affected: yes. Observed: 1 heterozygote.

Literature cited by the submitters: PubMed 27657687 (cited by Labcorp Genetics (formerly Invitae), Labcorp); PubMed 32164334 (cited by Labcorp Genetics (formerly Invitae), Labcorp).